The following is an entry in ClinVar:

NM_000116.5(TAFAZZIN):c.415G>A (p.Asp139Asn)

Gene: TAFAZZIN (tafazzin, phospholipid-lysophospholipid transacylase; plus strand). Cytogenetic location: Xq28.
Variant type: single nucleotide variant.
Coding change: c.415G>A on transcript NM_000116.5 (MANE Select); coding-DNA position 415, G replaced by A.
Protein change: p.Asp139Asn; replaces aspartic acid 139 with asparagine.
Molecular consequence: missense variant. On other transcripts: intron variant (5).
Genome position (GRCh38, 1-based): chrX:154,414,145, G>A. VCF-style: chrX-154414145-G-A. GRCh37 (hg19) VCF-style: chrX-153642482-G-A.
Other names: c.469G>A, p.Asp157Asn (NM_001303465.2, NM_001440856.1); c.415G>A, p.Asp139Asn (NM_181312.4); c.424+578G>A (NM_001410698.1, NM_001440857.1); c.370+578G>A (NM_181311.4, NM_181313.4, NM_001440858.1); short protein forms D139N, D157N.
Identifiers: ClinVar variation 4715090 (VCV004715090.1).

ClinVar aggregate classification (germline): Uncertain significance (1 of 4 stars; one submission).

Conditions:
3-Methylglutaconic aciduria type 2 (BTHS). Also called: CARDIOSKELETAL MYOPATHY WITH NEUTROPENIA AND ABNORMAL MITOCHONDRIA; Barth syndrome. Identifiers: Orphanet 111, MedGen C0574083, MONDO:0010543, OMIM 302060.

Submission:

Labcorp Genetics (formerly Invitae), Labcorp
Classification: Uncertain significance for 3-Methylglutaconic aciduria type 2. Last evaluated: 2025-03-13. Review status: criteria provided, single submitter. Criteria: Invitae Variant Classification Sherloc (09022015). Collection method: clinical testing. Allele origin: germline.
Comment: This sequence change replaces aspartic acid, which is acidic and polar, with asparagine, which is neutral and polar, at codon 139 of the TAZ protein (p.Asp139Asn). This variant is not present in population databases (gnomAD no frequency). This variant has not been reported in the literature in individuals affected with TAZ-related conditions. An algorithm developed to predict the effect of missense changes on protein structure and function outputs the following: PolyPhen-2: "Benign". The asparagine amino acid residue is found in multiple mammalian species, which suggests that this missense change does not adversely affect protein function. In summary, the available evidence is currently insufficient to determine the role of this variant in disease. Therefore, it has been classified as a Variant of Uncertain Significance.